The following is an entry in ClinVar:

ClinVar aggregate classification (germline): Uncertain significance (1 of 4 stars; one submission).

gnomAD v4.1: 1 of 1,613,670 alleles (0.000062%); highest among the groups gnomAD compares: Non-Finnish European, 0.000085%; no homozygotes.

Submission:

GeneDx
Classification: Uncertain significance. Last evaluated: 2024-04-26. Review status: criteria provided, single submitter. Criteria: GeneDx Variant Classification Process June 2021. Collection method: clinical testing. Allele origin: germline. Affected: yes.
Comment: Not observed at significant frequency in large population cohorts (gnomAD); In silico analysis supports that this missense variant has a deleterious effect on protein structure/function; Has not been previously published as pathogenic or benign to our knowledge

NM_001458.5(FLNC):c.7744C>T (p.His2582Tyr)

Genes: FLNC (filamin C; plus strand), FLNC-AS1 (FLNC antisense RNA 1; minus strand). Cytogenetic location: 7q32.1.
Variant type: single nucleotide variant.
Coding change: c.7744C>T on transcript NM_001458.5 (MANE Select); coding-DNA position 7744, C replaced by T.
Protein change: p.His2582Tyr; replaces histidine 2582 with tyrosine.
Molecular consequence: missense variant.
Genome position (GRCh38, 1-based): chr7:128,857,300, C>T. VCF-style: chr7-128857300-C-T. GRCh37 (hg19) VCF-style: chr7-128497354-C-T.
Other names: c.7645C>T, p.His2549Tyr (NM_001127487.2); short protein forms H2549Y, H2582Y.
Identifiers: ClinVar variation 3372868 (VCV003372868.1).
Genomic context (GRCh38, chr7:128,857,300, plus strand): 5'-ACTTATACTCCCATGGCCCCTGGCAACTACCTCATTGCCATCAAGTACGGTGGCCCCCAG[C>T]ACATCGTGGGCAGCCCCTTCAAGGCCAAGGTCACTGGTGAGTGCCAGTTTGGGGGAGGTC-3'
Protein context (NP_001449.3, residues 2572-2592): LIAIKYGGPQ[His2582Tyr]IVGSPFKAKV